The following is an entry in ClinVar:

NM_013382.7(POMT2):c.604T>G (p.Phe202Val)

Gene: POMT2 (protein O-mannosyltransferase 2; minus strand). Cytogenetic location: 14q24.3.
Variant type: single nucleotide variant.
Coding change: c.604T>G on transcript NM_013382.7 (MANE Select); coding-DNA position 604, T replaced by G.
Protein change: p.Phe202Val; replaces phenylalanine 202 with valine.
Molecular consequence: missense variant.
Genome position (GRCh38, 1-based): chr14:77,302,887, A>C on the plus strand (T>G on the coding strand, the complement: POMT2 is on the minus strand). VCF-style: chr14-77302887-A-C. GRCh37 (hg19) VCF-style: chr14-77769230-A-C.
Other names: short protein forms F202V.
Identifiers: ClinVar variation 3381850 (VCV003381850.2).

ClinVar aggregate classification (germline): Likely pathogenic (1 of 4 stars; one submission).

Conditions:
Muscular dystrophy-dystroglycanopathy (congenital with brain and eye anomalies), type A2. Also called: MUSCULAR DYSTROPHY-DYSTROGLYCANOPATHY (CONGENITAL WITH BRAIN AND EYE ANOMALIES), TYPE A, 2; WALKER-WARBURG SYNDROME OR MUSCLE-EYE-BRAIN DISEASE, POMT2-RELATED. Identifiers: Orphanet 588, Orphanet 899, MedGen C3150411, MONDO:0013154, OMIM 613150.
Autosomal recessive limb-girdle muscular dystrophy type 2N. Also called: MUSCULAR DYSTROPHY-DYSTROGLYCANOPATHY, LIMB-GIRDLE, POMT2-RELATED; Muscular dystrophy-dystroglycanopathy (limb-girdle), type C, 2. Identifiers: Orphanet 206559, MedGen C3150418, MONDO:0013162, OMIM 613158.
Muscular dystrophy-dystroglycanopathy (congenital with impaired intellectual development), type B, 2. Also called: MUSCULAR DYSTROPHY, CONGENITAL, POMT2-RELATED; Muscular dystrophy-dystroglycanopathy (congenital with intellectual disability), type B2. Identifiers: MedGen C3150416, MONDO:0013160, OMIM 613156.

Submission:

Juno Genomics, Hangzhou Juno Genomics, Inc
Classification: Likely pathogenic for Muscular dystrophy-dystroglycanopathy (congenital with impaired intellectual development), type B, 2; Muscular dystrophy-dystroglycanopathy (congenital with brain and eye anomalies), type A2; Autosomal recessive limb-girdle muscular dystrophy type 2N. Review status: criteria provided, single submitter. Criteria: ACMG Guidelines, 2015. Collection method: clinical testing. Allele origin: germline. Affected: yes.
Comment: Absent from controls (or at extremely low frequency if recessive) in Genome Aggregation Database, Exome Sequencing Project, 1000 Genomes Project, or Exome Aggregation Consortium.;Multiple lines of computational evidence support a deleterious effect on the gene or gene product (conservation, evolutionary, splicing impact, etc).;For recessive disorders, detected in trans with a pathogenic variant.;Patient's phenotype or family history is highly specific for a disease with a single genetic etiology.